The following is an entry in ClinVar:

GRCh38/hg38 Xq27.1(chrX:139199307-139682289)x2

Genes: F9 (coagulation factor IX; plus strand), FGF13 (fibroblast growth factor 13; minus strand), MCF2 (MCF.2 cell line derived transforming sequence; minus strand). Cytogenetic location: Xq27.1.
Variant type: copy number gain.
Change: copy number 2 of chrX:139,199,307-139,682,289 (483.0 kb, GRCh38 coordinates, 1-based), cytogenetic band Xq27.1.
Identifiers: ClinVar variation 60389 (VCV000060389.1).

ClinVar aggregate classification (germline): Uncertain significance (1 of 4 stars; one submission).

Submission:

ISCA site 15
Classification: Uncertain significance. Last evaluated: 2011-08-12. Review status: criteria provided, single submitter. Criteria: Kaminsky et al. (Genet Med. 2011). Collection method: clinical testing. Allele origin: unknown. Affected: yes. Observed: 1 variant allele.
Comment: Copy number variation identified through the course of routine clinical cytogenomic testing in postnatal populations. Clinical assertions have been curated as described in Kaminsky et al. 2011.